The following is an entry in ClinVar:

NM_005045.4(RELN):c.1129G>A (p.Gly377Arg)

Gene: RELN (reelin; minus strand). Cytogenetic location: 7q22.1.
Variant type: single nucleotide variant.
Coding change: c.1129G>A on transcript NM_005045.4 (MANE Select); coding-DNA position 1129, G replaced by A.
Protein change: p.Gly377Arg; replaces glycine 377 with arginine.
Molecular consequence: missense variant.
Genome position (GRCh38, 1-based): chr7:103,697,867, C>T on the plus strand (G>A on the coding strand, the complement: RELN is on the minus strand). VCF-style: chr7-103697867-C-T. GRCh37 (hg19) VCF-style: chr7-103338314-C-T.
Other names: c.1129G>A, p.Gly377Arg (NM_173054.3); short protein forms G377R.
Identifiers: ClinVar variation 1438244 (VCV001438244.8), dbSNP rs2115780068, ClinGen allele CA368927416.
Genomic context (GRCh38, chr7:103,697,867, plus strand): 5'-GGAGATGAAGGATTAAAACAACCCAAAAACTAAAAAGAGCTCTAACCTTAACTGTAGCTC[C>T]TGGGAAGAAAAGCCAGTTGCCTGTGTCCACTGGGTCGAGACTATCTTCTAAAACGACTTG-3'
Protein context (NP_005036.2, residues 367-387): VDTGNWLFFP[Gly377Arg]ATVKHSCQSD

ClinVar aggregate classification (germline): Uncertain significance (1 of 4 stars; one submission).

Conditions:
Familial temporal lobe epilepsy 7. Identifiers: Orphanet 101046, MedGen C4225327, MONDO:0014639, OMIM 616436.
Norman-Roberts syndrome (LIS2). Also called: Lissencephaly 2 (Norman-Roberts type). Identifiers: Orphanet 89844, MedGen C0796089, MONDO:0009760, OMIM 257320.

Submission:

Labcorp Genetics (formerly Invitae), Labcorp
Classification: Uncertain significance for Familial temporal lobe epilepsy 7; Norman-Roberts syndrome. Last evaluated: 2021-04-08. Review status: criteria provided, single submitter. Criteria: Invitae Variant Classification Sherloc (09022015). Collection method: clinical testing. Allele origin: germline.
Comment: In summary, the available evidence is currently insufficient to determine the role of this variant in disease. Therefore, it has been classified as a Variant of Uncertain Significance. Algorithms developed to predict the effect of sequence changes on RNA splicing suggest that this variant may create or strengthen a splice site, but this prediction has not been confirmed by published transcriptional studies. Algorithms developed to predict the effect of missense changes on protein structure and function are either unavailable or do not agree on the potential impact of this missense change (SIFT: "Deleterious"; PolyPhen-2: "Probably Damaging"; Align-GVGD: "Class C0"). This variant has not been reported in the literature in individuals with RELN-related conditions. This variant is not present in population databases (ExAC no frequency). This sequence change replaces glycine with arginine at codon 377 of the RELN protein (p.Gly377Arg). The glycine residue is highly conserved and there is a moderate physicochemical difference between glycine and arginine.